The following is an entry in ClinVar:

ClinVar aggregate classification (germline): Uncertain significance (1 of 4 stars; one submission).

Conditions:
Familial cancer of breast. Also called: hereditary breast carcinoma; BREAST CANCER, FAMILIAL; Hereditary breast cancer. Identifiers: Orphanet 227535, MedGen C0346153, MONDO:0016419, OMIM 114480. Disease mechanism: loss of function.

Submission:

Labcorp Genetics (formerly Invitae), Labcorp
Classification: Uncertain significance for Familial cancer of breast. Last evaluated: 2019-06-16. Review status: criteria provided, single submitter. Criteria: Invitae Variant Classification Sherloc (09022015). Collection method: clinical testing. Allele origin: germline.
Comment: This variant is not present in population databases (ExAC no frequency). This sequence change replaces asparagine with tyrosine at codon 318 of the BARD1 protein (p.Asn318Tyr). The asparagine residue is weakly conserved and there is a large physicochemical difference between asparagine and tyrosine. This variant has not been reported in the literature in individuals with BARD1-related conditions. In summary, the available evidence is currently insufficient to determine the role of this variant in disease. Therefore, it has been classified as a Variant of Uncertain Significance. Algorithms developed to predict the effect of missense changes on protein structure and function (SIFT, PolyPhen-2, Align-GVGD) all suggest that this variant is likely to be tolerated, but these predictions have not been confirmed by published functional studies and their clinical significance is uncertain.

NM_000465.4(BARD1):c.952A>T (p.Asn318Tyr)

Gene: BARD1 (BRCA1 associated RING domain 1; minus strand). Cytogenetic location: 2q35.
Variant type: single nucleotide variant.
Coding change: c.952A>T on transcript NM_000465.4 (MANE Select); coding-DNA position 952, A replaced by T.
Protein change: p.Asn318Tyr; replaces asparagine 318 with tyrosine.
Molecular consequence: missense variant. On other transcripts: non-coding transcript variant (2), intron variant (3).
Genome position (GRCh38, 1-based): chr2:214,780,922, T>A on the plus strand (A>T on the coding strand, the complement: BARD1 is on the minus strand). VCF-style: chr2-214780922-T-A. GRCh37 (hg19) VCF-style: chr2-215645646-T-A.
Other names: c.895A>T, p.Asn299Tyr (NM_001282543.2); c.159-28367A>T (NM_001282548.2); c.215+16139A>T (NM_001282545.2); c.364+11375A>T (NM_001282549.2); short protein forms N299Y, N318Y.
Identifiers: ClinVar variation 942330 (VCV000942330.10), dbSNP rs565582076, ClinGen allele CA350454792.